The following is an entry in ClinVar:

NM_004947.5(DOCK3):c.3915+10A>G

Gene: DOCK3 (dedicator of cytokinesis 3; plus strand). Cytogenetic location: 3p21.2.
Variant type: single nucleotide variant.
Coding change: c.3915+10A>G on transcript NM_004947.5 (MANE Select); 10 bases into the intron after coding-DNA position 3915, A replaced by G.
Molecular consequence: intron variant.
Genome position (GRCh38, 1-based): chr3:51,341,395, A>G. VCF-style: chr3-51341395-A-G. GRCh37 (hg19) VCF-style: chr3-51378826-A-G.
Identifiers: ClinVar variation 3357662 (VCV003357662.1).

ClinVar aggregate classification (germline): Likely benign (0 of 4 stars; one submission).

Conditions:
DOCK3-related disorder. Also called: DOCK3-related condition.

gnomAD v4.1: 152 of 1,613,146 alleles (0.0094%); highest among the groups gnomAD compares: Middle Eastern, 0.049%; no homozygotes.

Submission:

PreventionGenetics, part of Exact Sciences
Classification: Likely benign for DOCK3-related condition. Last evaluated: 2019-09-17. Review status: no assertion criteria provided. Collection method: clinical testing. Allele origin: germline.
Comment: This variant is classified as likely benign based on ACMG/AMP sequence variant interpretation guidelines (Richards et al. 2015 PMID: 25741868, with internal and published modifications).